The following is an entry in ClinVar:

ClinVar aggregate classification (germline): Likely pathogenic (1 of 4 stars; one submission).

Conditions:
Hereditary cancer-predisposing syndrome. Also called: Neoplastic Syndromes, Hereditary; Tumor predisposition; Hereditary Cancer Syndrome; Hereditary neoplastic syndrome. Identifiers: Orphanet 140162, MedGen C0027672, MeSH D009386, MONDO:0015356.

Submission:

Ambry Genetics
Classification: Likely pathogenic for Hereditary cancer-predisposing syndrome. Last evaluated: 2024-12-09. Review status: criteria provided, single submitter. Criteria: Ambry Variant Classification Scheme 2023. Collection method: clinical testing. Allele origin: germline.
Comment: The p.E35* variant (also known as c.103G>T), located in coding exon 1 of the NTHL1 gene, results from a G to T substitution at nucleotide position 103. This changes the amino acid from a glutamic acid to a stop codon within coding exon 1. The predicted stop codon occurs in the 5&rsquo; end of the NTHL1 gene. Premature termination codons in the 5&rsquo; end of a gene have been reported to escape nonsense-mediated mRNAdecay and/or lead to re-initiation (Rivas et al. Science. 2015 May 8;348(6235):666-9; Lindeboom et al. Nat Genet. 2016 Oct;48(10):1112-8; Rhee et al. Sci Rep. 2017 May 10;7(1):1653). Direct evidence for this alteration is unavailable, however premature termination codons are typically deleterious in nature. This variant is considered to be rare based on population cohorts in the Genome Aggregation Database (gnomAD). Based on the majority of available evidence to date, this variant is likely to be pathogenic.

NM_002528.7(NTHL1):c.79G>T (p.Glu27Ter)

Gene: NTHL1 (nth like DNA glycosylase 1; minus strand). Cytogenetic location: 16p13.3.
Variant type: single nucleotide variant.
Coding change: c.79G>T on transcript NM_002528.7 (MANE Select); coding-DNA position 79, G replaced by T.
Protein change: p.Glu27Ter; replaces glutamic acid 27 with a stop codon.
Molecular consequence: nonsense. On other transcripts: 5 prime UTR variant (1).
Genome position (GRCh38, 1-based): chr16:2,047,745, C>A on the plus strand (G>T on the coding strand, the complement: NTHL1 is on the minus strand). VCF-style: chr16-2047745-C-A. GRCh37 (hg19) VCF-style: chr16-2097746-C-A.
Other names: c.79G>T, p.Glu27Ter (NM_001318193.2); c.-100G>T (NM_001318194.2); short protein forms E27*.
Identifiers: ClinVar variation 3408227 (VCV003408227.1).